The following is an entry in ClinVar:

NM_004208.4(AIFM1):c.1448+12G>A

Genes: AIFM1 (apoptosis inducing factor mitochondria associated 1; minus strand), RAB33A (RAB33A, member RAS oncogene family; plus strand). Cytogenetic location: Xq26.1.
Variant type: single nucleotide variant.
Coding change: c.1448+12G>A on transcript NM_004208.4 (MANE Select); 12 bases into the intron after coding-DNA position 1448, G replaced by A.
Molecular consequence: intron variant.
Genome position (GRCh38, 1-based): chrX:130,133,301, C>T on the plus strand (G>A on the coding strand, the complement: AIFM1 is on the minus strand). VCF-style: chrX-130133301-C-T. GRCh37 (hg19) VCF-style: chrX-129267276-C-T.
Other names: c.1436+12G>A (NM_145812.3); c.*676+12G>A (NM_001130847.4); c.431+12G>A (NM_001130846.4).
Identifiers: ClinVar variation 2942676 (VCV002942676.3), dbSNP rs2523109944, ClinGen allele CA2740092279.

ClinVar aggregate classification (germline): Uncertain significance (1 of 4 stars; one submission).

Conditions:
Combined oxidative phosphorylation deficiency. Identifiers: MedGen C4540031, MONDO:0000732.
Charcot-Marie-Tooth Neuropathy X. Identifiers: MedGen CN118851.

Submission:

Labcorp Genetics (formerly Invitae), Labcorp
Classification: Uncertain significance for Charcot-Marie-Tooth Neuropathy X; Combined oxidative phosphorylation deficiency. Last evaluated: 2022-12-24. Review status: criteria provided, single submitter. Criteria: Invitae Variant Classification Sherloc (09022015). Collection method: clinical testing. Allele origin: germline.
Comment: Algorithms developed to predict the effect of sequence changes on RNA splicing suggest that this variant may create or strengthen a splice site. In summary, the available evidence is currently insufficient to determine the role of this variant in disease. Therefore, it has been classified as a Variant of Uncertain Significance. This variant has not been reported in the literature in individuals affected with AIFM1-related conditions. This sequence change falls in intron 13 of the AIFM1 gene. It does not directly change the encoded amino acid sequence of the AIFM1 protein. This variant is not present in population databases (gnomAD no frequency).